The following is an entry in ClinVar:

NM_005529.7(HSPG2):c.11974C>T (p.Arg3992Cys)

Gene: HSPG2 (heparan sulfate proteoglycan 2; minus strand). Cytogenetic location: 1p36.12.
Variant type: single nucleotide variant.
Coding change: c.11974C>T on transcript NM_005529.7 (MANE Select); coding-DNA position 11974, C replaced by T.
Protein change: p.Arg3992Cys; replaces arginine 3992 with cysteine.
Molecular consequence: missense variant.
Genome position (GRCh38, 1-based): chr1:21,829,401, G>A on the plus strand (C>T on the coding strand, the complement: HSPG2 is on the minus strand). VCF-style: chr1-21829401-G-A. GRCh37 (hg19) VCF-style: chr1-22155894-G-A.
Other names: c.11977C>T, p.Arg3993Cys (NM_001291860.2); c.11974C>T (NM_005529.5); short protein forms R3993C, R3992C.
Identifiers: ClinVar variation 1524777 (VCV001524777.9), dbSNP rs150012971, ClinGen allele CA669567.
Genomic context (GRCh38, chr1:21,829,401, plus strand): 5'-GGCTTGGTGTGCAGAGCCCCGCATTTGGTGCTGGGTGCTTACCTGACCCCAACTCATAGC[G>A]GAACTCCAGGTGGCCGCCCACCATCGCCAGGGACACGAAGTCCTCCACAGGCCCGCTCTT-3'
Protein context (NP_005520.4, residues 3982-4002): LAMVGGHLEF[Arg3992Cys]YELGSGLAVL

ClinVar aggregate classification (germline): Uncertain significance. Review status: criteria provided, multiple submitters, no conflicts (2 of 4 stars). 3 submissions from 3 submitters: Uncertain significance (3). Last evaluated 2024-04-25.

Conditions:
Lethal Kniest-like syndrome (DDSH). Also called: Dyssegmental Dysplasia. Identifiers: Orphanet 1865, MedGen C1857100, MONDO:0009140, OMIM 224410.
Schwartz-Jampel syndrome type 1 (SJS1). Also called: MYOTONIC MYOPATHY, DWARFISM, CHONDRODYSTROPHY, AND OCULAR AND FACIAL ABNORMALITIES; CHONDRODYSTROPHIC MYOTONIA. Identifiers: MedGen C4551479, MONDO:0100435, OMIM 255800.

Allele frequency attached by ClinVar (database versions not stated): gnomAD 0.00006; ESP Exome Variant Server 0.00008; 1000 Genomes Project 30x 0.00016; 1000 Genomes Project 0.00020.
gnomAD v4.1: 26 of 1,613,364 alleles (0.0016%); highest among the groups gnomAD compares: Admixed American, 0.017%; no homozygotes.

Submissions (3):

Labcorp Genetics (formerly Invitae), Labcorp
Classification: Uncertain significance. Last evaluated: 2024-04-25. Review status: criteria provided, single submitter. Criteria: Invitae Variant Classification Sherloc (09022015). Collection method: clinical testing. Allele origin: germline.
Comment: This sequence change replaces arginine, which is basic and polar, with cysteine, which is neutral and slightly polar, at codon 3992 of the HSPG2 protein (p.Arg3992Cys). This variant is present in population databases (rs150012971, gnomAD 0.006%). This variant has not been reported in the literature in individuals affected with HSPG2-related conditions. ClinVar contains an entry for this variant (Variation ID: 1524777). An algorithm developed to predict the effect of missense changes on protein structure and function (PolyPhen-2) suggests that this variant is likely to be disruptive. In summary, the available evidence is currently insufficient to determine the role of this variant in disease. Therefore, it has been classified as a Variant of Uncertain Significance.

Fulgent Genetics
Classification: Uncertain significance for Lethal Kniest-like syndrome; Schwartz-Jampel syndrome type 1. Last evaluated: 2024-02-21. Review status: criteria provided, single submitter. Criteria: ACMG Guidelines, 2015. Collection method: clinical testing. Allele origin: germline.

GeneDx
Classification: Uncertain significance. Last evaluated: 2024-02-07. Review status: criteria provided, single submitter. Criteria: GeneDx Variant Classification Process June 2021. Collection method: clinical testing. Allele origin: germline. Affected: yes.
Comment: In silico analysis supports that this missense variant has a deleterious effect on protein structure/function; Has not been previously published as pathogenic or benign to our knowledge